The following is an entry in ClinVar:

NM_001103.4(ACTN2):c.1349A>G (p.Asp450Gly)

Gene: ACTN2 (actinin alpha 2; plus strand). Cytogenetic location: 1q43.
Variant type: single nucleotide variant.
Coding change: c.1349A>G on transcript NM_001103.4 (MANE Select); coding-DNA position 1349, A replaced by G.
Protein change: p.Asp450Gly; replaces aspartic acid 450 with glycine.
Molecular consequence: missense variant.
Genome position (GRCh38, 1-based): chr1:236,744,719, A>G. VCF-style: chr1-236744719-A-G. GRCh37 (hg19) VCF-style: chr1-236908019-A-G.
Other names: c.1349A>G, p.Asp450Gly (NM_001278343.2); c.725A>G, p.Asp242Gly (NM_001278344.2); c.599A>G, p.Asp200Gly (NM_001412150.1); short protein forms D242G, D200G, D450G.
Identifiers: ClinVar variation 2118720 (VCV002118720.4), dbSNP rs2527614558, ClinGen allele CA345382837.
Genomic context (GRCh38, chr1:236,744,719, plus strand): 5'-AGTCGGCGTCGCTGACAGAGGTGCGGGCTCTGCTGCGGAAGCACGAGGCGTTCGAGAGCG[A>G]CCTGGCAGCGCACCAGGACCGCGTGGAGCAGATCGCAGCCATCGCGCAGGAGCTCAAGTA-3'
Protein context (NP_001094.1, residues 440-460): LLRKHEAFES[Asp450Gly]LAAHQDRVEQ

ClinVar aggregate classification (germline): Uncertain significance (1 of 4 stars; one submission).

Conditions:
Dilated cardiomyopathy 1AA (CMD1AA). Also called: Cardiomyopathy, dilated, 1AA, with or without LVNC; CARDIOMYOPATHY, DILATED, 1AA, WITH OR WITHOUT LEFT VENTRICULAR NONCOMPACTION; CARDIOMYOPATHY, FAMILIAL HYPERTROPHIC, 23, WITH OR WITHOUT LEFT VENTRICULAR NONCOMPACTION. Identifiers: Orphanet 154, MedGen C2677338, MONDO:0012808, OMIM 612158.
Primary familial hypertrophic cardiomyopathy (HCM). Identifiers: Orphanet 99739, MedGen C0949658, MeSH D024741, MONDO:0024573. Inheritance: Various modes of inheritance.

Submission:

Labcorp Genetics (formerly Invitae), Labcorp
Classification: Uncertain significance for Primary familial hypertrophic cardiomyopathy; Dilated cardiomyopathy 1AA. Last evaluated: 2022-03-28. Review status: criteria provided, single submitter. Criteria: Invitae Variant Classification Sherloc (09022015). Collection method: clinical testing. Allele origin: germline.
Comment: In summary, the available evidence is currently insufficient to determine the role of this variant in disease. Therefore, it has been classified as a Variant of Uncertain Significance. Advanced modeling of protein sequence and biophysical properties (such as structural, functional, and spatial information, amino acid conservation, physicochemical variation, residue mobility, and thermodynamic stability) performed at Invitae indicates that this missense variant is not expected to disrupt ACTN2 protein function. This variant has not been reported in the literature in individuals affected with ACTN2-related conditions. This variant is not present in population databases (gnomAD no frequency). This sequence change replaces aspartic acid, which is acidic and polar, with glycine, which is neutral and non-polar, at codon 450 of the ACTN2 protein (p.Asp450Gly).